The following is an entry in ClinVar:

ClinVar aggregate classification (germline): Uncertain significance (1 of 4 stars; one submission).

Conditions:
Inborn genetic diseases. Identifiers: MedGen C0950123, MeSH D030342.

Submission:

Ambry Genetics
Classification: Uncertain significance for Inborn genetic diseases. Last evaluated: 2026-06-16. Review status: criteria provided, single submitter. Criteria: Ambry Variant Classification Scheme 2023. Collection method: clinical testing. Allele origin: germline.
Comment: The p.E523G variant (also known as c.1568A>G), located in coding exon 7 of the SH2B3 gene, results from an A to G substitution at nucleotide position 1568. The glutamic acid at codon 523 is replaced by glycine, an amino acid with similar properties. This amino acid position is conserved. In addition, this alteration is predicted to be tolerated by in silico analysis. Based on the available evidence, the clinical significance of this variant remains unclear.

NM_005475.3(SH2B3):c.1568A>G (p.Glu523Gly)

Gene: SH2B3 (SH2B adaptor protein 3; plus strand). Cytogenetic location: 12q24.12.
Variant type: single nucleotide variant.
Coding change: c.1568A>G on transcript NM_005475.3 (MANE Select); coding-DNA position 1568, A replaced by G.
Protein change: p.Glu523Gly; replaces glutamic acid 523 with glycine.
Molecular consequence: missense variant.
Genome position (GRCh38, 1-based): chr12:111,448,142, A>G. VCF-style: chr12-111448142-A-G. GRCh37 (hg19) VCF-style: chr12-111885946-A-G.
Other names: c.962A>G, p.Glu321Gly (NM_001291424.1); short protein forms E321G, E523G.
Identifiers: ClinVar variation 5029449 (VCV005029449.1).